The following is an entry in ClinVar:

NM_004104.5(FASN):c.3905C>A (p.Pro1302His)

Gene: FASN (fatty acid synthase; minus strand). Cytogenetic location: 17q25.3.
Variant type: single nucleotide variant.
Coding change: c.3905C>A on transcript NM_004104.5 (MANE Select); coding-DNA position 3905, C replaced by A.
Protein change: p.Pro1302His; replaces proline 1302 with histidine.
Molecular consequence: missense variant.
Genome position (GRCh38, 1-based): chr17:82,085,699, G>T on the plus strand (C>A on the coding strand, the complement: FASN is on the minus strand). VCF-style: chr17-82085699-G-T. GRCh37 (hg19) VCF-style: chr17-80043575-G-T.
Other names: short protein forms P1302H.
Identifiers: ClinVar variation 970286 (VCV000970286.9), dbSNP rs2034085815, ClinGen allele CA401549747.

ClinVar aggregate classification (germline): Uncertain significance (1 of 4 stars; one submission).

Conditions:
Epileptic encephalopathy. Identifiers: MedGen C0543888, HP:0200134.

Submission:

Labcorp Genetics (formerly Invitae), Labcorp
Classification: Uncertain significance for Epileptic encephalopathy. Last evaluated: 2022-07-11. Review status: criteria provided, single submitter. Criteria: Invitae Variant Classification Sherloc (09022015). Collection method: clinical testing. Allele origin: germline.
Comment: Algorithms developed to predict the effect of missense changes on protein structure and function (SIFT, PolyPhen-2, Align-GVGD) all suggest that this variant is likely to be tolerated. In summary, the available evidence is currently insufficient to determine the role of this variant in disease. Therefore, it has been classified as a Variant of Uncertain Significance. ClinVar contains an entry for this variant (Variation ID: 970286). This sequence change replaces proline, which is neutral and non-polar, with histidine, which is basic and polar, at codon 1302 of the FASN protein (p.Pro1302His). This variant is not present in population databases (gnomAD no frequency). This variant has not been reported in the literature in individuals affected with FASN-related conditions.